The following is an entry in ClinVar:

NM_001372078.1(REV3L):c.426C>T (p.Ser142=)

Gene: REV3L (REV3 like, DNA directed polymerase zeta catalytic subunit; minus strand). Cytogenetic location: 6q21.
Variant type: single nucleotide variant.
Coding change: c.426C>T on transcript NM_001372078.1 (MANE Select); coding-DNA position 426, C replaced by T.
Protein change: p.Ser142=; no amino-acid change (serine 142 retained).
Molecular consequence: synonymous variant.
Genome position (GRCh38, 1-based): chr6:111,405,609, G>A on the plus strand (C>T on the coding strand, the complement: REV3L is on the minus strand). VCF-style: chr6-111405609-G-A. GRCh37 (hg19) VCF-style: chr6-111726812-G-A.
Other names: c.192C>T, p.Ser64= (NM_001286431.2, NM_001286432.2); c.426C>T, p.Ser142= (NM_002912.5).
Identifiers: ClinVar variation 3051042 (VCV003051042.2), dbSNP rs761638789, ClinGen allele CA3962837.

ClinVar aggregate classification (germline): Likely benign (0 of 4 stars; one submission).

Conditions:
REV3L-related disorder. Also called: REV3L-related condition.

Allele frequency attached by ClinVar (database versions not stated): ExAC 0.00002; gnomAD 0.00002; gnomAD exomes 0.00003; TOPMed 0.00004.
gnomAD v4.1: 41 of 1,596,704 alleles (0.0026%); highest among the groups gnomAD compares: Admixed American, 0.011%; no homozygotes.

Submission:

PreventionGenetics, part of Exact Sciences
Classification: Likely benign for REV3L-related condition. Last evaluated: 2019-03-07. Review status: no assertion criteria provided. Collection method: clinical testing. Allele origin: germline.
Comment: This variant is classified as likely benign based on ACMG/AMP sequence variant interpretation guidelines (Richards et al. 2015 PMID: 25741868, with internal and published modifications).